The following is an entry in ClinVar:

NM_001017995.3(SH3PXD2B):c.1062+15G>A

Gene: SH3PXD2B (SH3 and PX domains 2B; minus strand). Cytogenetic location: 5q35.1.
Variant type: single nucleotide variant.
Coding change: c.1062+15G>A on transcript NM_001017995.3 (MANE Select); 15 bases into the intron after coding-DNA position 1062, G replaced by A.
Molecular consequence: intron variant.
Genome position (GRCh38, 1-based): chr5:172,347,268, C>T on the plus strand (G>A on the coding strand, the complement: SH3PXD2B is on the minus strand). VCF-style: chr5-172347268-C-T. GRCh37 (hg19) VCF-style: chr5-171774272-C-T.
Other names: c.1062+15G>A (NM_001308175.2).
Identifiers: ClinVar variation 257057 (VCV000257057.16), dbSNP rs111572530, ClinGen allele CA3561323.

ClinVar aggregate classification (germline): Benign/Likely benign. Review status: criteria provided, multiple submitters, no conflicts (2 of 4 stars). 6 submissions from 6 submitters: Benign (3); Likely benign (3). Last evaluated 2026-01-21.

Conditions:
Frank-Ter Haar syndrome. Also called: TER HAAR SYNDROME; MELNICK-NEEDLES SYNDROME, AUTOSOMAL RECESSIVE; BORRONE DERMATOCARDIOSKELETAL SYNDROME; Borrone di Rocco Crovato syndrome. Identifiers: Orphanet 1266, Orphanet 137834, MedGen C1855305, MONDO:0009579, OMIM 249420.

Allele frequency attached by ClinVar (database versions not stated): ExAC 0.00631; TOPMed 0.01601; gnomAD 0.01650; 1000 Genomes Project 0.01737; 1000 Genomes Project 30x 0.01780; ESP Exome Variant Server 0.01915.
gnomAD v4.1: 6,805 of 1,613,954 alleles (0.42%); highest among the groups gnomAD compares: African/African-American, 4.7%; 100 homozygotes.

Submissions (6):

Labcorp Genetics (formerly Invitae), Labcorp
Classification: Benign. Last evaluated: 2026-01-21. Review status: criteria provided, single submitter. Criteria: Invitae Variant Classification Sherloc (09022015). Collection method: clinical testing. Allele origin: germline.

GeneDx
Classification: Likely benign. Last evaluated: 2019-01-06. Review status: criteria provided, single submitter. Criteria: GeneDx Variant Classification Process June 2021. Collection method: clinical testing. Allele origin: germline. Affected: yes.

Illumina Laboratory Services, Illumina
Classification: Benign for Frank-Ter Haar syndrome. Last evaluated: 2018-01-13. Review status: criteria provided, single submitter. Criteria: ICSL Variant Classification Criteria 13 December 2019. Collection method: clinical testing. Allele origin: germline.
Comment: This variant was observed in the ICSL laboratory as part of a predisposition screen in an ostensibly healthy population. It had not been previously curated by ICSL or reported in the Human Gene Mutation Database (HGMD: prior to June 1st, 2018), and was therefore a candidate for classification through an automated scoring system. Utilizing variant allele frequency, disease prevalence and penetrance estimates, and inheritance mode, an automated score was calculated to assess if this variant is too frequent to cause the disease. Based on the score and internal cut-off values, a variant classified as benign is not then subjected to further curation. The score for this variant resulted in a classification of benign for this disease.

Center for Pediatric Genomic Medicine, Children's Mercy Hospital and Clinics
Classification: Likely benign. Last evaluated: 2017-04-19. Review status: criteria provided, single submitter. Criteria: ACMG Guidelines, 2015. Collection method: clinical testing. Allele origin: germline.

Breakthrough Genomics
Classification: Likely benign. Review status: criteria provided, single submitter. Criteria: ACMG Guidelines, 2015. Collection method: not provided. Allele origin: germline. Inheritance: Autosomal recessive inheritance. Affected: yes.

PreventionGenetics, part of Exact Sciences
Classification: Benign. Review status: criteria provided, single submitter. Criteria: ACMG Guidelines, 2015. Collection method: clinical testing. Allele origin: germline.